The following is an entry in ClinVar:

ClinVar aggregate classification (germline): Uncertain significance (1 of 4 stars; one submission).

Conditions:
Ehlers-Danlos syndrome, classic type, 1 (EDSCL1). Also called: EDS I; EHLERS-DANLOS SYNDROME, GRAVIS TYPE; EHLERS-DANLOS SYNDROME, SEVERE CLASSIC TYPE; Ehlers-Danlos syndrome, type 1; Ehlers-Danlos Syndrome, Classic Type, COL5A1-Related. Identifiers: MedGen C0268335, MONDO:0019567, OMIM 130000.

Allele frequency attached by ClinVar (database versions not stated): gnomAD exomes below 0.00001; ExAC 0.00001; gnomAD 0.00001; TOPMed 0.00001.
gnomAD v4.1: 3 of 1,613,816 alleles (0.00019%); highest among the groups gnomAD compares: African/African-American, 0.0027%; no homozygotes.

Submission:

Labcorp Genetics (formerly Invitae), Labcorp
Classification: Uncertain significance for Ehlers-Danlos syndrome, classic type, 1. Last evaluated: 2022-11-09. Review status: criteria provided, single submitter. Criteria: Invitae Variant Classification Sherloc (09022015). Collection method: clinical testing. Allele origin: germline.
Comment: This variant has not been reported in the literature in individuals affected with COL5A2-related conditions. This sequence change replaces alanine, which is neutral and non-polar, with serine, which is neutral and polar, at codon 1052 of the COL5A2 protein (p.Ala1052Ser). This variant is present in population databases (rs773078129, gnomAD 0.007%). Advanced modeling of protein sequence and biophysical properties (such as structural, functional, and spatial information, amino acid conservation, physicochemical variation, residue mobility, and thermodynamic stability) performed at Invitae indicates that this missense variant is not expected to disrupt COL5A2 protein function. In summary, the available evidence is currently insufficient to determine the role of this variant in disease. Therefore, it has been classified as a Variant of Uncertain Significance.

NM_000393.5(COL5A2):c.3154G>T (p.Ala1052Ser)

Gene: COL5A2 (collagen type V alpha 2 chain; minus strand). Cytogenetic location: 2q32.2.
Variant type: single nucleotide variant.
Coding change: c.3154G>T on transcript NM_000393.5 (MANE Select); coding-DNA position 3154, G replaced by T.
Protein change: p.Ala1052Ser; replaces alanine 1052 with serine.
Molecular consequence: missense variant.
Genome position (GRCh38, 1-based): chr2:189,048,256, C>A on the plus strand (G>T on the coding strand, the complement: COL5A2 is on the minus strand). VCF-style: chr2-189048256-C-A. GRCh37 (hg19) VCF-style: chr2-189912982-C-A.
Other names: short protein forms A1052S.
Identifiers: ClinVar variation 2966489 (VCV002966489.3), dbSNP rs773078129, ClinGen allele CA2022091.
Genomic context (GRCh38, chr2:189,048,256, plus strand): 5'-AAATGGCTCTTACACGTTCTCCAACAGCACCATCCCGTCCTGGGGTACCATCATTGCCAG[C>A]TGGACCCTATAAAGAATAATGGTTTGAAAAACTACTTAACTGAGTAATGAAAAAAATCCT-3'
Protein context (NP_000384.2, residues 1042-1062): PVGEPGPEGP[Ala1052Ser]GNDGTPGRDG